The following is an entry in ClinVar:

NM_001366385.1(CARD14):c.2599T>A (p.Trp867Arg)

Genes: SGSH (N-sulfoglucosamine sulfohydrolase; minus strand), CARD14 (caspase recruitment domain family member 14; plus strand), LOC126862662 (MED14-independent group 3 enhancer GRCh37_chr17:78178385-78179584; plus strand). Cytogenetic location: 17q25.3.
Variant type: single nucleotide variant.
Coding change: c.2599T>A on transcript NM_001366385.1 (MANE Select); coding-DNA position 2599, T replaced by A.
Protein change: p.Trp867Arg; replaces tryptophan 867 with arginine.
Molecular consequence: missense variant. On other transcripts: non-coding transcript variant (1).
Genome position (GRCh38, 1-based): chr17:80,205,560, T>A. VCF-style: chr17-80205560-T-A. GRCh37 (hg19) VCF-style: chr17-78179359-T-A.
Other names: c.2599T>A, p.Trp867Arg (NM_024110.4); short protein forms W867R.
Identifiers: ClinVar variation 1352357 (VCV001352357.8), dbSNP rs1204745306, ClinGen allele CA401356301.

ClinVar aggregate classification (germline): Uncertain significance (1 of 4 stars; one submission).

Conditions:
Pityriasis rubra pilaris (PRP). Also called: Pityriasis rubra pilaris--familial type. Identifiers: Orphanet 2897, MedGen C0032027, MONDO:0100017, OMIM 173200, MONDO:0008251.
Psoriasis 2. Identifiers: MedGen C1864497, MONDO:0011269, OMIM 602723.

gnomAD v4.1: 1 of 1,583,412 alleles (0.000063%); no homozygotes.

Submission:

Labcorp Genetics (formerly Invitae), Labcorp
Classification: Uncertain significance for Pityriasis rubra pilaris; Psoriasis 2. Last evaluated: 2026-01-26. Review status: criteria provided, single submitter. Criteria: Invitae Variant Classification Sherloc (09022015). Collection method: clinical testing. Allele origin: germline.
Comment: This sequence change replaces tryptophan, which is neutral and slightly polar, with arginine, which is basic and polar, at codon 867 of the CARD14 protein (p.Trp867Arg). This variant is not present in population databases (gnomAD no frequency). This variant has not been reported in the literature in individuals affected with CARD14-related conditions. ClinVar contains an entry for this variant (Variation ID: 1352357). Invitae Evidence Modeling of protein sequence and biophysical properties (such as structural, functional, and spatial information, amino acid conservation, physicochemical variation, residue mobility, and thermodynamic stability) indicates that this missense variant is not expected to disrupt CARD14 protein function with a negative predictive value of 95%. In summary, the available evidence is currently insufficient to determine the role of this variant in disease. Therefore, it has been classified as a Variant of Uncertain Significance.